The following is an entry in ClinVar:

ClinVar aggregate classification (germline): Uncertain significance. Review status: criteria provided, multiple submitters, no conflicts (2 of 4 stars). 3 submissions from 3 submitters: Uncertain significance (3). Last evaluated 2025-11-06.

Conditions:
SPTLC2-related disorder. Also called: SPTLC2-related condition.
Neuropathy, hereditary sensory and autonomic, type 1C. Also called: HSAN IC; HSN IC. Identifiers: Orphanet 36386, MedGen C3150896, MONDO:0013337, OMIM 613640.

Allele frequency attached by ClinVar (database versions not stated): gnomAD exomes 0.00001 and 0.00002; ExAC 0.00002; gnomAD 0.00002; TOPMed 0.00003; ESP Exome Variant Server 0.00008.
gnomAD v4.1: 29 of 1,614,048 alleles (0.0018%); highest among the groups gnomAD compares: Non-Finnish European, 0.0024%; no homozygotes.

Submissions (3):

PreventionGenetics, part of Exact Sciences
Classification: Uncertain significance for SPTLC2-related condition. Last evaluated: 2025-11-06. Review status: criteria provided, single submitter. Criteria: ACMG Guidelines, 2015. Collection method: clinical testing. Allele origin: germline.
Comment: The SPTLC2 c.1226C>T variant is predicted to result in the amino acid substitution p.Thr409Met. This variant was reported in an individual with amyotrophic lateral sclerosis (Li et al. 2023. PubMed ID: 36966328). This variant was also observed in a patient with hereditary sensory and autonomic neuropathy; however, limited clinical details were available and functional studies suggested this variant did not impact protein function (Bode et al. 2016. PubMed ID: 26681808). This variant is reported in 0.0023% of alleles in individuals of European (non-Finnish) descent in gnomAD. At this time, the clinical significance of this variant is uncertain due to the absence of conclusive functional and genetic evidence.

Labcorp Genetics (formerly Invitae), Labcorp
Classification: Uncertain significance for Neuropathy, hereditary sensory and autonomic, type 1C. Last evaluated: 2025-09-23. Review status: criteria provided, single submitter. Criteria: Invitae Variant Classification Sherloc (09022015). Collection method: clinical testing. Allele origin: germline.
Comment: This sequence change replaces threonine, which is neutral and polar, with methionine, which is neutral and non-polar, at codon 409 of the SPTLC2 protein (p.Thr409Met). This variant is present in population databases (rs368357970, gnomAD 0.004%). This missense change has been observed in individual(s) with amyotrophic lateral sclerosis (PMID: 36966328). ClinVar contains an entry for this variant (Variation ID: 373497). Invitae Evidence Modeling of protein sequence and biophysical properties (such as structural, functional, and spatial information, amino acid conservation, physicochemical variation, residue mobility, and thermodynamic stability) has been performed for this missense variant. However, the output from this modeling did not meet the statistical confidence thresholds required to predict the impact of this variant on SPTLC2 protein function. Experimental studies have shown that this missense change does not substantially affect SPTLC2 function (PMID: 26681808). In summary, the available evidence is currently insufficient to determine the role of this variant in disease. Therefore, it has been classified as a Variant of Uncertain Significance.

GeneDx
Classification: Uncertain significance. Last evaluated: 2016-11-28. Review status: criteria provided, single submitter. Criteria: GeneDx Variant Classification (06012015). Collection method: clinical testing. Allele origin: germline. Affected: yes.
Comment: A variant of uncertain significance has been identified in the SPTLC2 gene. The T409M variant has been reported as a pathogenic variant; however no additional information was provided (Astudillo et al.; Duan et al., 2015). Functions studies suggested that the T409M variant does not appear to be associated with HSAN1 and that it may be a benign variant (Bode et al., 2016). It was not observed with any significant frequency in approximately 6,500 individuals of European and African American ancestry in the NHLBI Exome Sequencing Project. The T409M variant is a non-conservative amino acid substitution, which is likely to impact secondary protein structure as these residues differ in polarity, charge, size and/or other properties. In silico analysis predicts this variant is probably damaging to the protein structure/function. However, this substitution occurs at a position that is not conserved. Therefore, based on the currently available information, it is unclear whether this variant is a pathogenic variant or a rare benign variant.

Literature cited by the submitters: PubMed 36966328 (cited by Labcorp Genetics (formerly Invitae), Labcorp); PubMed 26681808 (cited by Labcorp Genetics (formerly Invitae), Labcorp).

NM_004863.4(SPTLC2):c.1226C>T (p.Thr409Met)

Gene: SPTLC2 (serine palmitoyltransferase long chain base subunit 2; minus strand). Cytogenetic location: 14q24.3.
Variant type: single nucleotide variant.
Coding change: c.1226C>T on transcript NM_004863.4 (MANE Select); coding-DNA position 1226, C replaced by T.
Protein change: p.Thr409Met; replaces threonine 409 with methionine.
Molecular consequence: missense variant.
Genome position (GRCh38, 1-based): chr14:77,552,173, G>A on the plus strand (C>T on the coding strand, the complement: SPTLC2 is on the minus strand). VCF-style: chr14-77552173-G-A. GRCh37 (hg19) VCF-style: chr14-78018516-G-A.
Other names: short protein forms T409M.
Identifiers: ClinVar variation 373497 (VCV000373497.6), dbSNP rs368357970, ClinGen allele CA7289229.